The following is an entry in ClinVar:

ClinVar aggregate classification (germline): Uncertain significance. Review status: criteria provided, multiple submitters, no conflicts (2 of 4 stars). 3 submissions from 3 submitters: Uncertain significance (3). Last evaluated 2023-05-27.

Conditions:
Duchenne muscular dystrophy (DMD). Also called: MUSCULAR DYSTROPHY, PSEUDOHYPERTROPHIC PROGRESSIVE, DUCHENNE TYPE; Duchenne Muscular Dystrophy (DMD). Identifiers: Orphanet 98896, MedGen C0013264, MONDO:0010679, OMIM 310200.

Allele frequency attached by ClinVar (database versions not stated): gnomAD exomes below 0.00001 and 0.00001.
gnomAD v4.1: 1 of 1,209,715 alleles (0.000083%); highest among the groups gnomAD compares: East Asian, 0.003%; no homozygotes.

Submissions (3):

Labcorp Genetics (formerly Invitae), Labcorp
Classification: Uncertain significance for Duchenne muscular dystrophy. Last evaluated: 2023-05-27. Review status: criteria provided, single submitter. Criteria: Invitae Variant Classification Sherloc (09022015). Collection method: clinical testing. Allele origin: germline.
Comment: This variant has not been reported in the literature in individuals affected with DMD-related conditions. This variant is present in population databases (no rsID available, gnomAD 0.008%). ClinVar contains an entry for this variant (Variation ID: 1311712). This sequence change replaces threonine, which is neutral and polar, with alanine, which is neutral and non-polar, at codon 233 of the DMD protein (p.Thr233Ala). In summary, the available evidence is currently insufficient to determine the role of this variant in disease. Therefore, it has been classified as a Variant of Uncertain Significance. Advanced modeling of protein sequence and biophysical properties (such as structural, functional, and spatial information, amino acid conservation, physicochemical variation, residue mobility, and thermodynamic stability) performed at Invitae indicates that this missense variant is not expected to disrupt DMD protein function.

Revvity Omics, Revvity
Classification: Uncertain significance. Last evaluated: 2022-03-31. Review status: criteria provided, single submitter. Criteria: ACMG Guidelines, 2015. Collection method: clinical testing. Allele origin: germline.

GeneDx
Classification: Uncertain significance. Last evaluated: 2020-10-15. Review status: criteria provided, single submitter. Criteria: GeneDx Variant Classification Process June 2021. Collection method: clinical testing. Allele origin: germline. Affected: yes.
Comment: Has not been previously published as pathogenic or benign to our knowledge; In silico analysis, which includes protein predictors and evolutionary conservation, supports a deleterious effect; Missense variant in a gene in which most reported pathogenic variants are truncating/loss-of-function

NM_004006.3(DMD):c.697A>G (p.Thr233Ala)

Gene: DMD (dystrophin; minus strand). Cytogenetic location: Xp21.1.
Variant type: single nucleotide variant.
Coding change: c.697A>G on transcript NM_004006.3 (MANE Select); coding-DNA position 697, A replaced by G.
Protein change: p.Thr233Ala; replaces threonine 233 with alanine.
Molecular consequence: missense variant.
Genome position (GRCh38, 1-based): chrX:32,699,246, T>C on the plus strand (A>G on the coding strand, the complement: DMD is on the minus strand). VCF-style: chrX-32699246-T-C. GRCh37 (hg19) VCF-style: chrX-32717363-T-C.
Other names: c.673A>G, p.Thr225Ala (NM_000109.4); c.685A>G, p.Thr229Ala (NM_004009.3); c.328A>G, p.Thr110Ala (NM_004010.3); short protein forms T110A, T225A, T229A, T233A.
Identifiers: ClinVar variation 1311712 (VCV001311712.7), dbSNP rs1429767974, ClinGen allele CA412669082.